The following is an entry in ClinVar:

NM_033380.3(COL4A5):c.1861G>A (p.Gly621Ser)

Gene: COL4A5 (collagen type IV alpha 5 chain; plus strand). Cytogenetic location: Xq22.3.
Variant type: single nucleotide variant.
Coding change: c.1861G>A on transcript NM_033380.3 (MANE Select); coding-DNA position 1861, G replaced by A.
Protein change: p.Gly621Ser; replaces glycine 621 with serine.
Molecular consequence: missense variant.
Genome position (GRCh38, 1-based): chrX:108,598,783, G>A. VCF-style: chrX-108598783-G-A. GRCh37 (hg19) VCF-style: chrX-107842013-G-A.
Other names: c.1861G>A, p.Gly621Ser (NM_000495.5); c.1861G>A (NM_000495.4); short protein forms G621S.
Identifiers: ClinVar variation 1191044 (VCV001191044.4), dbSNP rs104886141, ClinGen allele CA334038941.

ClinVar aggregate classification (germline): Pathogenic/Likely pathogenic. Review status: criteria provided, multiple submitters, no conflicts (2 of 4 stars). 3 submissions from 3 submitters: Pathogenic (2); Likely pathogenic (1). Last evaluated 2025-11-15.

Conditions:
X-linked Alport syndrome (ATS1). Also called: NEPHROPATHY AND DEAFNESS, X-LINKED; COL4A5-Related Nephropathy. Identifiers: Orphanet 63, Orphanet 88917, MedGen C4746986, MONDO:0010520, OMIM 301050.

Allele frequency attached by ClinVar (database versions not stated): gnomAD exomes below 0.00001.
gnomAD v4.1: 1 of 1,210,730 alleles (0.000083%); highest among the groups gnomAD compares: Non-Finnish European, 0.00011%; no homozygotes.

Submissions (3):

Labcorp Genetics (formerly Invitae), Labcorp
Classification: Pathogenic. Last evaluated: 2025-11-15. Review status: criteria provided, single submitter. Criteria: Invitae Variant Classification Sherloc (09022015). Collection method: clinical testing. Allele origin: germline.
Comment: This sequence change replaces glycine, which is neutral and non-polar, with serine, which is neutral and polar, at codon 621 of the COL4A5 protein (p.Gly621Ser). This variant is not present in population databases (gnomAD no frequency). This missense change has been observed in individual(s) with Alport syndrome and/or clinical features of Alport syndrome (internal data). It has also been observed to segregate with disease in related individuals. ClinVar contains an entry for this variant (Variation ID: 1191044). Invitae Evidence Modeling of protein sequence and biophysical properties (such as structural, functional, and spatial information, amino acid conservation, physicochemical variation, residue mobility, and thermodynamic stability) indicates that this missense variant is expected to disrupt COL4A5 protein function with a positive predictive value of 95%. This variant disrupts the p.Gly621 amino acid residue in COL4A5. Other variant(s) that disrupt this residue have been determined to be pathogenic (PMID: 8940267, 24033287, 30577881; internal data). This suggests that this residue is clinically significant, and that variants that disrupt this residue are likely to be disease-causing. For these reasons, this variant has been classified as Pathogenic.

Natera, Inc.
Classification: Likely pathogenic for X-linked Alport syndrome. Last evaluated: 2025-10-23. Review status: criteria provided, single submitter. Criteria: Natera Variant Classification Schema (03/2026). Collection method: clinical testing. Allele origin: germline.
Comment: The c.1861G>A variant in COL4A5 is a missense variant predicted to cause substitution of glycine to serine at amino acid 621. This variant is rare in the general population with a frequency below the threshold expected for the associated phenotype(s). This variant is located in a functionally critical region of the protein. A different variant at the same position has been determined to be Pathogenic or Likely Pathogenic. Computational prediction algorithms indicate this variant is likely to affect gene or protein function. Given the available evidence, this variant is classified as Likely Pathogenic.

GeneDx
Classification: Pathogenic. Last evaluated: 2019-11-26. Review status: criteria provided, single submitter. Criteria: GeneDx Variant Classification Process June 2021. Collection method: clinical testing. Allele origin: germline. Affected: yes.
Comment: Affects a glycine residue in a Gly-X-Y motif in the triple helical region of the COL4A5 gene, where the majority of pathogenic missense variants occur; this glycine flanks an interruption within the triple helical region. Missense substitution of a canonical Glycine residue in a Gly-X-Y motif in the triple helical region often disrupts normal protein folding and function; however this particular collagen gene is known to have several naturally occurring interruptions of the Gly-X-Y repeats and we cannot precisely predict the consequences of this change; In silico analysis, which includes protein predictors and evolutionary conservation, supports a deleterious effect; Not observed in large population cohorts (Lek et al., 2016); Has not been previously published as pathogenic or benign to our knowledge

Literature cited by the submitters: PubMed 8940267 (cited by Labcorp Genetics (formerly Invitae), Labcorp); PubMed 24033287 (cited by Labcorp Genetics (formerly Invitae), Labcorp); PubMed 30577881 (cited by Labcorp Genetics (formerly Invitae), Labcorp).